The following is an entry in ClinVar:

NM_024642.5(GALNT12):c.136G>T (p.Gly46Trp)

Gene: GALNT12 (polypeptide N-acetylgalactosaminyltransferase 12; plus strand). Cytogenetic location: 9q22.33.
Variant type: single nucleotide variant.
Coding change: c.136G>T on transcript NM_024642.5 (MANE Select); coding-DNA position 136, G replaced by T.
Protein change: p.Gly46Trp; replaces glycine 46 with tryptophan.
Molecular consequence: missense variant.
Genome position (GRCh38, 1-based): chr9:98,807,834, G>T. VCF-style: chr9-98807834-G-T. GRCh37 (hg19) VCF-style: chr9-101570116-G-T.
Other names: short protein forms G46W.
Identifiers: ClinVar variation 1771020 (VCV001771020.2), dbSNP rs10987768, ClinGen allele CA374222371.
Genomic context (GRCh38, chr9:98,807,834, plus strand): 5'-GCGCTACTGGCGTTGGCCGGGCTGGGCTCGGTGCTGCGGGCGCAGCGTGGGGCCGGGGCC[G>T]GGGCTGCCGAGCCGGGACCCCCGCGCACCCCGCGCCCCGGGCGGCGCGAGCCGGTCATGC-3'
Protein context (NP_078918.3, residues 36-56): VLRAQRGAGA[Gly46Trp]AAEPGPPRTP

ClinVar aggregate classification (germline): Uncertain significance (1 of 4 stars; one submission).

Submission:

Ambry Genetics
Classification: Uncertain significance. Last evaluated: 2022-07-11. Review status: criteria provided, single submitter. Criteria: Ambry Variant Classification Scheme 2023. Collection method: clinical testing. Allele origin: germline.
Comment: The p.G46W variant (also known as c.136G>T), located in coding exon 1 of the GALNT12 gene, results from a G to T substitution at nucleotide position 136. The glycine at codon 46 is replaced by tryptophan, an amino acid with highly dissimilar properties. This amino acid position is conserved. In addition, this alteration is predicted to be tolerated by in silico analysis. Since supporting evidence is limited at this time, the clinical significance of this alteration remains unclear.